The following is an entry in ClinVar:

ClinVar aggregate classification (germline): Uncertain significance (1 of 4 stars; one submission).

Submission:

GeneDx
Classification: Uncertain significance. Last evaluated: 2022-09-12. Review status: criteria provided, single submitter. Criteria: GeneDx Variant Classification Process June 2021. Collection method: clinical testing. Allele origin: germline. Affected: yes.
Comment: In-frame deletion of 1 amino acid in a non-repeat region; In silico analysis supports a deleterious effect on protein structure/function; Has not been previously published as pathogenic or benign to our knowledge

NM_080632.3(UPF3B):c.1107AGA[2] (p.Glu372del)

Gene: UPF3B (UPF3B regulator of nonsense mediated mRNA decay; minus strand). Cytogenetic location: Xq24.
Variant type: Microsatellite.
Coding change: c.1107AGA[2] on transcript NM_080632.3 (MANE Select); two copies in a row of the 3-base unit AGA starting at c.1107; the reference has three copies in a row; one copy, 3 bases deleted.
Protein change: p.Glu372del; deletes glutamic acid 372.
Molecular consequence: inframe deletion.
Genome position (GRCh38, 1-based): chrX:119,837,944-119,837,946, TCT deleted on the plus strand (AGA on the coding strand, the reverse complement: UPF3B is on the minus strand); deleting any 3 consecutive bases within chrX:119,837,944-119,837,953 gives the same sequence; the position shown is the placement nearest the transcript's 3' end. VCF-style (leftmost placement, unchanged base first): chrX-119837943-CTCT-C. GRCh37 (hg19) VCF-style: chrX-118971906-CTCT-C.
Other names: c.1068AGA[2], p.Glu359del (NM_023010.4); short protein forms E359del, E372del.
Identifiers: ClinVar variation 1704989 (VCV001704989.2), dbSNP rs771600790, ClinGen allele CA10503185.